The following is an entry in ClinVar:

NM_004415.4(DSP):c.1141-2A>G

Gene: DSP (desmoplakin; plus strand). Cytogenetic location: 6p24.3.
Variant type: single nucleotide variant.
Coding change: c.1141-2A>G on transcript NM_004415.4 (MANE Select); the canonical splice acceptor site of the intron before coding-DNA position 1141, A replaced by G.
Molecular consequence: splice acceptor variant.
Genome position (GRCh38, 1-based): chr6:7,567,779, A>G. VCF-style: chr6-7567779-A-G. GRCh37 (hg19) VCF-style: chr6-7568012-A-G.
Other names: c.1141-2A>G (NM_001319034.2, NM_001008844.3, NM_001406591.1).
Identifiers: ClinVar variation 199856 (VCV000199856.5), dbSNP rs794728111, ClinGen allele CA004791.

ClinVar aggregate classification (germline): Likely pathogenic. Review status: criteria provided, multiple submitters, no conflicts (2 of 4 stars). 2 submissions from 2 submitters: Likely pathogenic (2). Last evaluated 2022-09-27.

Conditions:
Arrhythmogenic right ventricular dysplasia 9 (ARVD9). Also called: Arrhythmogenic Right Ventricular Dysplasia/Cardiomyopathy 9; ARRHYTHMOGENIC RIGHT VENTRICULAR DYSPLASIA, FAMILIAL, 9. Identifiers: MedGen C1836906, MONDO:0012180, OMIM 609040.

Allele frequency attached by ClinVar (database versions not stated): gnomAD exomes below 0.00001.
gnomAD v4.1: 1 of 1,613,912 alleles (0.000062%); no homozygotes.

Submissions (2):

Petrovsky National Research Centre of Surgery, The Federal Agency for Scientific Organizations
Classification: Likely pathogenic for Arrhythmogenic right ventricular dysplasia 9. Last evaluated: 2022-09-27. Review status: criteria provided, single submitter. Criteria: ACMG Guidelines, 2015. Collection method: clinical testing. Allele origin: germline. Inheritance: Autosomal dominant inheritance. Affected: yes. Observed: 1 heterozygote.
Comment: This variant is not present in LOVD database, not observed at significant frequency in large population cohorts (gnomAD v2.1.1). In silico resources classify the c.1141-2A>G variant as probably pathogenic. It is predicted to disrupt canonical splice site in mRNA. ClinVar contains an entry for this variant (Variation ID: 199856). Loss-of-function variants in the DSP gene are known to be pathogenic (PMID: 27532257, 35474678, 35151254, 34343150). We assume that this variant could be classified as Likely Pathogenic.

GeneDx
Classification: Likely pathogenic. Last evaluated: 2019-02-11. Review status: criteria provided, single submitter. Criteria: GeneDx Variant Classification Process June 2021. Collection method: clinical testing. Allele origin: germline. Affected: yes.
Comment: Not observed at a significant frequency in large population cohorts (Lek et al., 2016); Canonical splice site variant predicted to destroy the splice acceptor site of intron 9 result in adjacent exon 10 being in-frame; Has not been previously published as pathogenic or benign to our knowledge